The following is an entry in ClinVar:

NM_005732.4(RAD50):c.1027A>G (p.Lys343Glu)

Gene: RAD50 (RAD50 double strand break repair protein; plus strand). Cytogenetic location: 5q31.1.
Variant type: single nucleotide variant.
Coding change: c.1027A>G on transcript NM_005732.4 (MANE Select); coding-DNA position 1027, A replaced by G.
Protein change: p.Lys343Glu; replaces lysine 343 with glutamic acid.
Molecular consequence: missense variant.
Genome position (GRCh38, 1-based): chr5:132,588,065, A>G. VCF-style: chr5-132588065-A-G. GRCh37 (hg19) VCF-style: chr5-131923757-A-G.
Other names: short protein forms K343E.
Identifiers: ClinVar variation 822022 (VCV000822022.14), dbSNP rs1580992331, ClinGen allele CA360941584.

ClinVar aggregate classification (germline): Uncertain significance. Review status: criteria provided, multiple submitters, no conflicts (2 of 4 stars). 2 submissions from 2 submitters: Uncertain significance (2). Last evaluated 2025-12-17.

Conditions:
Hereditary cancer-predisposing syndrome. Also called: Tumor predisposition; Neoplastic Syndromes, Hereditary; Hereditary Cancer Syndrome; Hereditary neoplastic syndrome. Identifiers: Orphanet 140162, MedGen C0027672, MeSH D009386, MONDO:0015356.

Allele frequency attached by ClinVar (database versions not stated): TOPMed below 0.00001.

Submissions (2):

Ambry Genetics
Classification: Uncertain significance for Hereditary cancer-predisposing syndrome. Last evaluated: 2025-12-17. Review status: criteria provided, single submitter. Criteria: Ambry Variant Classification Scheme 2023. Collection method: clinical testing. Allele origin: germline.
Comment: The p.K343E variant (also known as c.1027A>G), located in coding exon 7 of the RAD50 gene, results from an A to G substitution at nucleotide position 1027. The lysine at codon 343 is replaced by glutamic acid, an amino acid with similar properties. This amino acid position is highly conserved in available vertebrate species. In addition, this alteration is predicted to be tolerated by in silico analysis. Since supporting evidence is limited at this time, the clinical significance of this alteration remains unclear.

Labcorp Genetics (formerly Invitae), Labcorp
Classification: Uncertain significance for Hereditary cancer-predisposing syndrome. Last evaluated: 2023-03-24. Review status: criteria provided, single submitter. Criteria: Invitae Variant Classification Sherloc (09022015). Collection method: clinical testing. Allele origin: germline.
Comment: This sequence change replaces lysine, which is basic and polar, with glutamic acid, which is acidic and polar, at codon 343 of the RAD50 protein (p.Lys343Glu). This variant is not present in population databases (gnomAD no frequency). This variant has not been reported in the literature in individuals affected with RAD50-related conditions. ClinVar contains an entry for this variant (Variation ID: 822022). Advanced modeling of protein sequence and biophysical properties (such as structural, functional, and spatial information, amino acid conservation, physicochemical variation, residue mobility, and thermodynamic stability) performed at Invitae indicates that this missense variant is not expected to disrupt RAD50 protein function. In summary, the available evidence is currently insufficient to determine the role of this variant in disease. Therefore, it has been classified as a Variant of Uncertain Significance.